The following is an entry in ClinVar:

NM_004360.5(CDH1):c.829C>A (p.Pro277Thr)

Gene: CDH1 (cadherin 1; plus strand). Cytogenetic location: 16q22.1.
Variant type: single nucleotide variant.
Coding change: c.829C>A on transcript NM_004360.5 (MANE Select); coding-DNA position 829, C replaced by A.
Protein change: p.Pro277Thr; replaces proline 277 with threonine.
Molecular consequence: missense variant. On other transcripts: 5 prime UTR variant (2).
Genome position (GRCh38, 1-based): chr16:68,810,338, C>A. VCF-style: chr16-68810338-C-A. GRCh37 (hg19) VCF-style: chr16-68844241-C-A.
Other names: c.829C>A (LRG_301t1); c.829C>A, p.Pro277Thr (NM_001317184.2); c.-787C>A (NM_001317185.2); c.-991C>A (NM_001317186.2); short protein forms P277T.
Identifiers: ClinVar variation 664622 (VCV000664622.9), dbSNP rs864622346, ClinGen allele CA396459010.

ClinVar aggregate classification (germline): Uncertain significance (1 of 4 stars; one submission).

Conditions:
Hereditary diffuse gastric adenocarcinoma (HDGC). Also called: DIFFUSE GASTRIC AND LOBULAR BREAST CANCER SYNDROME. Identifiers: Orphanet 26106, MedGen C1708349, MONDO:0007648, OMIM 137215.

Submission:

Labcorp Genetics (formerly Invitae), Labcorp
Classification: Uncertain significance for Hereditary diffuse gastric adenocarcinoma. Last evaluated: 2024-02-17. Review status: criteria provided, single submitter. Criteria: Invitae Variant Classification Sherloc (09022015). Collection method: clinical testing. Allele origin: germline.
Comment: This sequence change replaces proline, which is neutral and non-polar, with threonine, which is neutral and polar, at codon 277 of the CDH1 protein (p.Pro277Thr). This variant is not present in population databases (gnomAD no frequency). This variant has not been reported in the literature in individuals affected with CDH1-related conditions. ClinVar contains an entry for this variant (Variation ID: 664622). An algorithm developed to predict the effect of missense changes on protein structure and function (PolyPhen-2) suggests that this variant is likely to be disruptive. In summary, the available evidence is currently insufficient to determine the role of this variant in disease. Therefore, it has been classified as a Variant of Uncertain Significance.